The following is an entry in ClinVar:

ClinVar aggregate classification (germline): Conflicting classifications of pathogenicity. Review status: criteria provided, conflicting classifications (1 of 4 stars). 2 submissions from 2 submitters: Uncertain significance (1); Likely benign (1). Last evaluated 2024-10-31.

Conditions:
Inborn genetic diseases. Identifiers: MedGen C0950123, MeSH D030342.

Allele frequency attached by ClinVar (database versions not stated): gnomAD 0.00001; gnomAD exomes 0.00001; TOPMed 0.00001; ExAC 0.00004; 1000 Genomes Project 30x 0.00016; 1000 Genomes Project 0.00020.
gnomAD v4.1: 14 of 1,612,932 alleles (0.00087%); highest among the groups gnomAD compares: South Asian, 0.0022%; no homozygotes.

Submissions (2):

Labcorp Genetics (formerly Invitae), Labcorp
Classification: Uncertain significance. Last evaluated: 2024-10-31. Review status: criteria provided, single submitter. Criteria: Invitae Variant Classification Sherloc (09022015). Collection method: clinical testing. Allele origin: germline.
Comment: This sequence change replaces proline, which is neutral and non-polar, with leucine, which is neutral and non-polar, at codon 452 of the NFIA protein (p.Pro452Leu). This variant is present in population databases (rs533067936, gnomAD 0.007%). This variant has not been reported in the literature in individuals affected with NFIA-related conditions. ClinVar contains an entry for this variant (Variation ID: 2192729). An algorithm developed to predict the effect of missense changes on protein structure and function (PolyPhen-2) suggests that this variant is likely to be disruptive. In summary, the available evidence is currently insufficient to determine the role of this variant in disease. Therefore, it has been classified as a Variant of Uncertain Significance.

Ambry Genetics
Classification: Likely benign for Inborn genetic diseases. Last evaluated: 2021-06-03. Review status: criteria provided, single submitter. Criteria: Ambry Variant Classification Scheme 2023. Collection method: clinical testing. Allele origin: germline.

NM_001134673.4(NFIA):c.1355C>T (p.Pro452Leu)

Gene: NFIA (nuclear factor I A; plus strand). Cytogenetic location: 1p31.3.
Variant type: single nucleotide variant.
Coding change: c.1355C>T on transcript NM_001134673.4 (MANE Select); coding-DNA position 1355, C replaced by T.
Protein change: p.Pro452Leu; replaces proline 452 with leucine.
Molecular consequence: missense variant.
Genome position (GRCh38, 1-based): chr1:61,406,662, C>T. VCF-style: chr1-61406662-C-T. GRCh37 (hg19) VCF-style: chr1-61872334-C-T.
Other names: c.1331C>T, p.Pro444Leu (NM_001145511.2); c.1490C>T, p.Pro497Leu (NM_001145512.2); c.1355C>T, p.Pro452Leu (NM_005595.5); c.1490C>T (NM_001145512.1); short protein forms P452L, P444L, P497L.
Identifiers: ClinVar variation 2192729 (VCV002192729.5), dbSNP rs533067936, ClinGen allele CA881280.